The following is an entry in ClinVar:

ClinVar aggregate classification (germline): Uncertain significance (1 of 4 stars; one submission).

Conditions:
Holoprosencephaly 9 (HPE9). Also called: PITUITARY ANOMALIES WITH HOLOPROSENCEPHALY-LIKE FEATURES; HOLOPROSENCEPHALY WITH MICROPHTHALMIA AND FIRST BRANCHIAL ARCH ANOMALIES. Identifiers: Orphanet 2162, MedGen C1835819, MONDO:0012563, OMIM 610829.
Postaxial polydactyly-anterior pituitary anomalies-facial dysmorphism syndrome. Also called: Culler-Jones syndrome. Identifiers: Orphanet 420584, MedGen C4014479, MONDO:0014369, OMIM 615849.

Allele frequency attached by ClinVar (database versions not stated): TOPMed below 0.00001.
gnomAD v4.1: 3 of 1,613,068 alleles (0.00019%); highest among the groups gnomAD compares: African/African-American, 0.0013%; no homozygotes.

Submission:

Labcorp Genetics (formerly Invitae), Labcorp
Classification: Uncertain significance for Postaxial polydactyly-anterior pituitary anomalies-facial dysmorphism syndrome; Holoprosencephaly 9. Last evaluated: 2025-04-07. Review status: criteria provided, single submitter. Criteria: Invitae Variant Classification Sherloc (09022015). Collection method: clinical testing. Allele origin: germline.
Comment: This sequence change replaces proline, which is neutral and non-polar, with leucine, which is neutral and non-polar, at codon 1134 of the GLI2 protein (p.Pro1134Leu). This variant is not present in population databases (gnomAD no frequency). This variant has not been reported in the literature in individuals affected with GLI2-related conditions. ClinVar contains an entry for this variant (Variation ID: 2165000). An algorithm developed to predict the effect of missense changes on protein structure and function (PolyPhen-2) suggests that this variant is likely to be tolerated. In summary, the available evidence is currently insufficient to determine the role of this variant in disease. Therefore, it has been classified as a Variant of Uncertain Significance.

NM_001374353.1(GLI2):c.3350C>T (p.Pro1117Leu)

Gene: GLI2 (GLI family zinc finger 2; plus strand). Cytogenetic location: 2q14.2.
Variant type: single nucleotide variant.
Coding change: c.3350C>T on transcript NM_001374353.1 (MANE Select); coding-DNA position 3350, C replaced by T.
Protein change: p.Pro1117Leu; replaces proline 1117 with leucine.
Molecular consequence: missense variant.
Genome position (GRCh38, 1-based): chr2:120,989,315, C>T. VCF-style: chr2-120989315-C-T. GRCh37 (hg19) VCF-style: chr2-121746891-C-T.
Other names: c.3401C>T, p.Pro1134Leu (NM_001371271.1, NM_005270.5); c.2975C>T, p.Pro992Leu (NM_001374354.1); short protein forms P1117L, P1134L, P992L.
Identifiers: ClinVar variation 2165000 (VCV002165000.4), dbSNP rs1320649360, ClinGen allele CA348173818.